The following is an entry in ClinVar:

NM_001083614.2(EARS2):c.*400A>G

Genes: EARS2 (glutamyl-tRNA synthetase 2, mitochondrial; minus strand), GGA2 (golgi associated, gamma adaptin ear containing, ARF binding protein 2; minus strand). Cytogenetic location: 16p12.2.
Variant type: single nucleotide variant.
Coding change: c.*400A>G on transcript NM_001083614.2 (MANE Select); 400 bases downstream of the stop codon, A replaced by G.
Molecular consequence: 3 prime UTR variant. On other transcripts: non-coding transcript variant (1).
Genome position (GRCh38, 1-based): chr16:23,523,971, T>C on the plus strand (A>G on the coding strand, the complement: EARS2 is on the minus strand). VCF-style: chr16-23523971-T-C. GRCh37 (hg19) VCF-style: chr16-23535292-T-C.
Identifiers: ClinVar variation 318534 (VCV000318534.6), dbSNP rs78770424, ClinGen allele CA10648159.

ClinVar aggregate classification (germline): Benign. Review status: criteria provided, multiple submitters, no conflicts (2 of 4 stars). 2 submissions from 2 submitters: Benign (2). Last evaluated 2018-01-12.

Conditions:
Leukoencephalopathy-thalamus and brainstem anomalies-high lactate syndrome. Also called: LEUKOENCEPHALOPATHY WITH THALAMUS AND BRAINSTEM INVOLVEMENT AND HIGH LACTATE; Combined oxidative phosphorylation deficiency 12. Identifiers: Orphanet 314051, MedGen C4706421, MONDO:0013971, OMIM 614924.

Allele frequency attached by ClinVar (database versions not stated): gnomAD exomes 0.01104; 1000 Genomes Project 0.01498; 1000 Genomes Project 30x 0.01546; TOPMed 0.01575; gnomAD 0.02484 and 0.02485.
gnomAD v4.1: 2,430 of 107,378 alleles (2.3%); highest among the groups gnomAD compares: South Asian, 2.9%; 24 homozygotes.

Submissions (2):

Illumina Laboratory Services, Illumina
Classification: Benign for Leukoencephalopathy-thalamus and brainstem anomalies-high lactate syndrome. Last evaluated: 2018-01-12. Review status: criteria provided, single submitter. Criteria: ICSL Variant Classification Criteria 13 December 2019. Collection method: clinical testing. Allele origin: germline.
Comment: This variant was observed in the ICSL laboratory as part of a predisposition screen in an ostensibly healthy population. It had not been previously curated by ICSL or reported in the Human Gene Mutation Database (HGMD: prior to June 1st, 2018), and was therefore a candidate for classification through an automated scoring system. Utilizing variant allele frequency, disease prevalence and penetrance estimates, and inheritance mode, an automated score was calculated to assess if this variant is too frequent to cause the disease. Based on the score and internal cut-off values, a variant classified as benign is not then subjected to further curation. The score for this variant resulted in a classification of benign for this disease.

Breakthrough Genomics
Classification: Benign. Review status: criteria provided, single submitter. Criteria: ACMG Guidelines, 2015. Collection method: not provided. Allele origin: germline. Inheritance: Autosomal recessive inheritance. Affected: yes.